The following is an entry in ClinVar:

NM_022817.3(PER2):c.551A>C (p.Glu184Ala)

Gene: PER2 (period circadian regulator 2; minus strand). Cytogenetic location: 2q37.3.
Variant type: single nucleotide variant.
Coding change: c.551A>C on transcript NM_022817.3 (MANE Select); coding-DNA position 551, A replaced by C.
Protein change: p.Glu184Ala; replaces glutamic acid 184 with alanine.
Molecular consequence: missense variant.
Genome position (GRCh38, 1-based): chr2:238,273,089, T>G on the plus strand (A>C on the coding strand, the complement: PER2 is on the minus strand). VCF-style: chr2-238273089-T-G. GRCh37 (hg19) VCF-style: chr2-239181730-T-G.
Other names: short protein forms E184A.
Identifiers: ClinVar variation 2205078 (VCV002205078.4), dbSNP rs146360310, ClinGen allele CA2197744.

ClinVar aggregate classification (germline): Uncertain significance. Review status: criteria provided, multiple submitters, no conflicts (2 of 4 stars). 2 submissions from 2 submitters: Uncertain significance (2). Last evaluated 2026-02-27.

Allele frequency attached by ClinVar (database versions not stated): ExAC 0.00010; 1000 Genomes Project 0.00020; ESP Exome Variant Server 0.00023; 1000 Genomes Project 30x 0.00016; gnomAD 0.00051; gnomAD exomes 0.00004; TOPMed 0.00049.

Submissions (2):

Dasa
Classification: Uncertain significance. Last evaluated: 2026-02-27. Review status: criteria provided, single submitter. Criteria: DASA Assertion Criteria. Collection method: clinical testing. Allele origin: germline.
Comment: NM_022817.3(PER2):c.551A>C (p.Glu184Ala) is a missense variant that results in the substitution of glutamic acid with alanine. This classification is supported by population frequency inconsistent with a disease-causing role. The currently available literature and clinical evidence are not sufficient to establish a definitive association between this variant and the reported condition. Therefore, this variant is classified as a variant of uncertain significance.

Ambry Genetics
Classification: Uncertain significance. Last evaluated: 2022-04-25. Review status: criteria provided, single submitter. Criteria: Ambry Variant Classification Scheme 2023. Collection method: clinical testing. Allele origin: germline.